The following is an entry in ClinVar:

NM_000414.4(HSD17B4):c.628G>T (p.Val210Leu)

Gene: HSD17B4 (hydroxysteroid 17-beta dehydrogenase 4; plus strand). Cytogenetic location: 5q23.1.
Variant type: single nucleotide variant.
Coding change: c.628G>T on transcript NM_000414.4 (MANE Select); coding-DNA position 628, G replaced by T.
Protein change: p.Val210Leu; replaces valine 210 with leucine.
Molecular consequence: missense variant. On other transcripts: non-coding transcript variant (2).
Genome position (GRCh38, 1-based): chr5:119,489,197, G>T. VCF-style: chr5-119489197-G-T. GRCh37 (hg19) VCF-style: chr5-118824892-G-T.
Other names: c.703G>T, p.Val235Leu (NM_001199291.3); c.574G>T, p.Val192Leu (NM_001199292.2); c.556G>T, p.Val186Leu (NM_001292027.2); c.208G>T, p.Val70Leu (NM_001292028.2); c.619G>T, p.Val207Leu (NM_001374497.1); c.628G>T, p.Val210Leu (NM_001374498.1); c.301G>T, p.Val101Leu (NM_001374499.1); c.187G>T, p.Val63Leu (NM_001374500.1); and 1 more; short protein forms V235L, V63L, V70L, V73L, V101L, V186L, V192L, V207L.
Identifiers: ClinVar variation 2575875 (VCV002575875.1), dbSNP rs1017610439, ClinGen allele CA360866877.
Genomic context (GRCh38, chr5:119,489,197, plus strand): 5'-GAAATTCTTAGAAAGTAAAATGATTGATAAGATATGTGTATATTCTTTATTTCAGATCTT[G>T]TGGAAGCCCTGAAGCCAGAGTATGTGGCACCTCTTGTCCTTTGGCTTTGTCACGAGAGTT-3'
Protein context (NP_000405.1, residues 200-220): MTQTVMPEDL[Val210Leu]EALKPEYVAP

ClinVar aggregate classification (germline): Uncertain significance (1 of 4 stars; one submission).

gnomAD v4.1: 1 of 1,599,776 alleles (0.000063%); highest among the groups gnomAD compares: East Asian, 0.0022%; no homozygotes.

Submission:

GeneDx
Classification: Uncertain significance. Last evaluated: 2023-02-14. Review status: criteria provided, single submitter. Criteria: GeneDx Variant Classification Process June 2021. Collection method: clinical testing. Allele origin: germline. Affected: yes.
Comment: Not observed at significant frequency in large population cohorts (gnomAD); In silico analysis supports that this missense variant does not alter protein structure/function; Has not been previously published as pathogenic or benign to our knowledge